The following is an entry in ClinVar:

NM_005097.4(LGI1):c.853G>C (p.Val285Leu)

Gene: LGI1 (leucine rich glioma inactivated 1; plus strand). Cytogenetic location: 10q23.33.
Variant type: single nucleotide variant.
Coding change: c.853G>C on transcript NM_005097.4 (MANE Select); coding-DNA position 853, G replaced by C.
Protein change: p.Val285Leu; replaces valine 285 with leucine.
Molecular consequence: missense variant. On other transcripts: non-coding transcript variant (1), intron variant (1).
Genome position (GRCh38, 1-based): chr10:93,796,982, G>C. VCF-style: chr10-93796982-G-C. GRCh37 (hg19) VCF-style: chr10-95556739-G-C.
Other names: c.709G>C, p.Val237Leu (NM_001308276.2); c.839-767G>C (NM_001308275.2); short protein forms V237L, V285L.
Identifiers: ClinVar variation 961869 (VCV000961869.11), dbSNP rs944813713, ClinGen allele CA211585470.

ClinVar aggregate classification (germline): Uncertain significance (1 of 4 stars; one submission).

Conditions:
Autosomal dominant epilepsy with auditory features. Identifiers: Orphanet 101046, MedGen C1838062, MONDO:0010898.

Allele frequency attached by ClinVar (database versions not stated): TOPMed 0.00001.
gnomAD v4.1: 1 of 1,613,614 alleles (0.000062%); highest among the groups gnomAD compares: African/African-American, 0.0013%; no homozygotes.

Submission:

Labcorp Genetics (formerly Invitae), Labcorp
Classification: Uncertain significance for Autosomal dominant epilepsy with auditory features. Last evaluated: 2023-10-03. Review status: criteria provided, single submitter. Criteria: Invitae Variant Classification Sherloc (09022015). Collection method: clinical testing. Allele origin: germline.
Comment: This sequence change replaces valine, which is neutral and non-polar, with leucine, which is neutral and non-polar, at codon 285 of the LGI1 protein (p.Val285Leu). This variant is not present in population databases (gnomAD no frequency). This variant has not been reported in the literature in individuals affected with LGI1-related conditions. ClinVar contains an entry for this variant (Variation ID: 961869). Advanced modeling of protein sequence and biophysical properties (such as structural, functional, and spatial information, amino acid conservation, physicochemical variation, residue mobility, and thermodynamic stability) performed at Invitae indicates that this missense variant is not expected to disrupt LGI1 protein function. In summary, the available evidence is currently insufficient to determine the role of this variant in disease. Therefore, it has been classified as a Variant of Uncertain Significance.